The following is an entry in ClinVar:

NM_005592.4(MUSK):c.1338C>T (p.Ala446=)

Gene: MUSK (muscle associated receptor tyrosine kinase; plus strand). Cytogenetic location: 9q31.3.
Variant type: single nucleotide variant.
Coding change: c.1338C>T on transcript NM_005592.4 (MANE Select); coding-DNA position 1338, C replaced by T.
Protein change: p.Ala446=; no amino-acid change (alanine 446 retained).
Molecular consequence: synonymous variant.
Genome position (GRCh38, 1-based): chr9:110,775,941, C>T. VCF-style: chr9-110775941-C-T. GRCh37 (hg19) VCF-style: chr9-113538221-C-T.
Other names: c.1104C>T, p.Ala368= (NM_001166280.2); c.1074C>T, p.Ala358= (NM_001166281.2); c.102C>T, p.Ala34= (NM_001369398.1).
Identifiers: ClinVar variation 3054511 (VCV003054511.2), dbSNP rs2491098604, ClinGen allele CA466685083.

ClinVar aggregate classification (germline): Likely benign (0 of 4 stars; one submission).

Conditions:
MUSK-related disorder. Also called: MUSK-related disorders; MUSK-related condition.

Submission:

PreventionGenetics, part of Exact Sciences
Classification: Likely benign for MUSK-related condition. Last evaluated: 2022-11-10. Review status: no assertion criteria provided. Collection method: clinical testing. Allele origin: germline.
Comment: This variant is classified as likely benign based on ACMG/AMP sequence variant interpretation guidelines (Richards et al. 2015 PMID: 25741868, with internal and published modifications).